The following is an entry in ClinVar:

NM_024753.5(TTC21B):c.2815C>A (p.Arg939=)

Gene: TTC21B (tetratricopeptide repeat domain 21B; minus strand). Cytogenetic location: 2q24.3.
Variant type: single nucleotide variant.
Coding change: c.2815C>A on transcript NM_024753.5 (MANE Select); coding-DNA position 2815, C replaced by A.
Protein change: p.Arg939=; no amino-acid change (arginine 939 retained).
Molecular consequence: synonymous variant.
Genome position (GRCh38, 1-based): chr2:165,899,823, G>T on the plus strand (C>A on the coding strand, the complement: TTC21B is on the minus strand). VCF-style: chr2-165899823-G-T. GRCh37 (hg19) VCF-style: chr2-166756333-G-T.
Identifiers: ClinVar variation 698238 (VCV000698238.7), dbSNP rs151227843, ClinGen allele CA59785575.

ClinVar aggregate classification (germline): Likely benign. Review status: criteria provided, multiple submitters, no conflicts (2 of 4 stars). 2 submissions from 2 submitters: Likely benign (2). Last evaluated 2026-08-07.

Conditions:
TTC21B-related disorder. Also called: TTC21B-related disorders; TTC21B-related condition.
Nephronophthisis. Also called: Juvenile Nephronophthisis. Identifiers: Orphanet 655, MedGen C0687120, MONDO:0019005, HP:0000090.
Jeune thoracic dystrophy. Also called: Short-rib thoracic dysplasia; Jeune syndrome; Infantile thoracic dystrophy; Thoracic pelvic phalangeal dystrophy; Jeune's syndrome; Chondroectodermal dysplasia-like syndrome. Identifiers: Orphanet 474, MedGen C0265275, MONDO:0018770.

gnomAD v4.1: 3 of 1,613,930 alleles (0.00019%); highest among the groups gnomAD compares: African/African-American, 0.004%; no homozygotes.

Submissions (2):

PreventionGenetics, part of Exact Sciences
Classification: Likely benign for TTC21B-related condition. Last evaluated: 2026-08-07. Review status: criteria provided, single submitter. Criteria: ACMG Guidelines, 2015. Collection method: clinical testing. Allele origin: germline.
Comment: This variant is classified as likely benign based on ACMG/AMP sequence variant interpretation guidelines (Richards et al. 2015 PMID: 25741868, with internal and published modifications).

Labcorp Genetics (formerly Invitae), Labcorp
Classification: Likely benign for Jeune thoracic dystrophy; Nephronophthisis. Last evaluated: 2023-01-20. Review status: criteria provided, single submitter. Criteria: Invitae Variant Classification Sherloc (09022015). Collection method: clinical testing. Allele origin: germline.